The following is an entry in ClinVar:

NM_001009944.3(PKD1):c.11327T>G (p.Phe3776Cys)

Genes: PKD1 (polycystin 1, transient receptor potential channel interacting; minus strand), PKD1-AS1 (PKD1 antisense RNA 1; plus strand). Cytogenetic location: 16p13.3.
Variant type: single nucleotide variant.
Coding change: c.11327T>G on transcript NM_001009944.3 (MANE Select); coding-DNA position 11327, T replaced by G.
Protein change: p.Phe3776Cys; replaces phenylalanine 3776 with cysteine.
Molecular consequence: missense variant.
Genome position (GRCh38, 1-based): chr16:2,092,131, A>C on the plus strand (T>G on the coding strand, the complement: PKD1 is on the minus strand). VCF-style: chr16-2092131-A-C. GRCh37 (hg19) VCF-style: chr16-2142132-A-C.
Other names: c.11324T>G, p.Phe3775Cys (NM_000296.4); short protein forms F3775C, F3776C.
Identifiers: ClinVar variation 3371716 (VCV003371716.1).

ClinVar aggregate classification (germline): Uncertain significance (1 of 4 stars; one submission).

Submission:

GeneDx
Classification: Uncertain significance. Last evaluated: 2024-03-31. Review status: criteria provided, single submitter. Criteria: GeneDx Variant Classification Process June 2021. Collection method: clinical testing. Allele origin: germline. Affected: yes.
Comment: Not observed at significant frequency in large population cohorts (gnomAD); In silico analysis supports that this missense variant has a deleterious effect on protein structure/function; Has not been previously published as pathogenic or benign to our knowledge